The following is an entry in ClinVar:

NM_173076.3(ABCA12):c.4615G>A (p.Glu1539Lys)

Gene: ABCA12 (ATP binding cassette subfamily A member 12; minus strand). Cytogenetic location: 2q35.
Variant type: single nucleotide variant.
Coding change: c.4615G>A on transcript NM_173076.3 (MANE Select); coding-DNA position 4615, G replaced by A.
Protein change: p.Glu1539Lys; replaces glutamic acid 1539 with lysine.
Molecular consequence: missense variant. On other transcripts: non-coding transcript variant (1).
Genome position (GRCh38, 1-based): chr2:214,980,608, C>T on the plus strand (G>A on the coding strand, the complement: ABCA12 is on the minus strand). VCF-style: chr2-214980608-C-T. GRCh37 (hg19) VCF-style: chr2-215845332-C-T.
Other names: c.3661G>A, p.Glu1221Lys (NM_015657.4); c.4615G>A (NM_173076.2); short protein forms E1539K, E1221K.
Identifiers: ClinVar variation 2858 (VCV000002858.3), dbSNP rs28940271, ClinGen allele CA252478.

ClinVar aggregate classification (germline): Conflicting classifications of pathogenicity. Review status: criteria provided, conflicting classifications (1 of 4 stars). 3 submissions from 3 submitters: Likely pathogenic (1); Uncertain significance (1). 1 of the submissions does not count toward it. Last evaluated 2024-06-25.

Conditions:
Autosomal recessive congenital ichthyosis 4A (LI2). Also called: ICHTHYOSIS CONGENITA IIB. Identifiers: Orphanet 313, MedGen C1832550, MONDO:0011026, OMIM 601277.
Autosomal recessive congenital ichthyosis 4B (ARCI4B). Also called: ICHTHYOSIS CONGENITA, HARLEQUIN FETUS TYPE; Ichthyosis, congenital, autosomal recessive 4B (harlequin); Harlequin Fetus; HARLEQUIN ICHTHYOSIS. Identifiers: Orphanet 457, MedGen C0598226, MONDO:0009443, OMIM 242500.

Allele frequency attached by ClinVar (database versions not stated): gnomAD exomes below 0.00001.
gnomAD v4.1: 2 of 1,614,052 alleles (0.00012%); highest among the groups gnomAD compares: Non-Finnish European, 0.00017%; no homozygotes.

Submissions (3):

Fulgent Genetics
Classification: Likely pathogenic for Autosomal recessive congenital ichthyosis 4B; Autosomal recessive congenital ichthyosis 4A. Last evaluated: 2024-06-25. Review status: criteria provided, single submitter. Criteria: ACMG Guidelines, 2015. Collection method: clinical testing. Allele origin: germline.

GeneDx
Classification: Uncertain significance. Last evaluated: 2023-07-25. Review status: criteria provided, single submitter. Criteria: GeneDx Variant Classification Process June 2021. Collection method: clinical testing. Allele origin: germline. Affected: yes.
Comment: Not observed at significant frequency in large population cohorts (gnomAD); In silico analysis supports that this missense variant has a deleterious effect on protein structure/function; This variant is associated with the following publications: (PMID: 12915478, 20849526, 32851342, 30916489, 36980989)

OMIM
Classification: Pathogenic for ICHTHYOSIS, CONGENITAL, AUTOSOMAL RECESSIVE 4A. Last evaluated: 2003-09-15. Review status: no assertion criteria provided. Collection method: literature only. Allele origin: germline. Not counted in ClinVar's aggregate classification.

Literature cited by the submitters: PubMed 12915478 (cited by OMIM).